The following is an entry in ClinVar:

NM_013254.4(TBK1):c.353A>T (p.Asp118Val)

Gene: TBK1 (TANK binding kinase 1; plus strand). Cytogenetic location: 12q14.2.
Variant type: single nucleotide variant.
Coding change: c.353A>T on transcript NM_013254.4 (MANE Select); coding-DNA position 353, A replaced by T.
Protein change: p.Asp118Val; replaces aspartic acid 118 with valine.
Molecular consequence: missense variant.
Genome position (GRCh38, 1-based): chr12:64,464,458, A>T. VCF-style: chr12-64464458-A-T. GRCh37 (hg19) VCF-style: chr12-64858238-A-T.
Other names: short protein forms D118V.
Identifiers: ClinVar variation 2849247 (VCV002849247.3), dbSNP rs2539489095, ClinGen allele CA385595623.

ClinVar aggregate classification (germline): Uncertain significance (1 of 4 stars; one submission).

Conditions:
Frontotemporal dementia and/or amyotrophic lateral sclerosis 4. Also called: FTDALS4. Identifiers: Orphanet 275872, MedGen C4225325, MONDO:0014641, OMIM 616439.

Submission:

Labcorp Genetics (formerly Invitae), Labcorp
Classification: Uncertain significance for Frontotemporal dementia and/or amyotrophic lateral sclerosis 4. Last evaluated: 2023-03-24. Review status: criteria provided, single submitter. Criteria: Invitae Variant Classification Sherloc (09022015). Collection method: clinical testing. Allele origin: germline.
Comment: Advanced modeling of protein sequence and biophysical properties (such as structural, functional, and spatial information, amino acid conservation, physicochemical variation, residue mobility, and thermodynamic stability) performed at Invitae indicates that this missense variant is not expected to disrupt TBK1 protein function. Algorithms developed to predict the effect of sequence changes on RNA splicing suggest that this variant may disrupt the consensus splice site. In summary, the available evidence is currently insufficient to determine the role of this variant in disease. Therefore, it has been classified as a Variant of Uncertain Significance. This variant has not been reported in the literature in individuals affected with TBK1-related conditions. This sequence change replaces aspartic acid, which is acidic and polar, with valine, which is neutral and non-polar, at codon 118 of the TBK1 protein (p.Asp118Val). This variant is not present in population databases (gnomAD no frequency).